The following is an entry in ClinVar:

NM_015100.4(POGZ):c.1678+6T>G

Gene: POGZ (pogo transposable element derived with ZNF domain; minus strand). Cytogenetic location: 1q21.3.
Variant type: single nucleotide variant.
Coding change: c.1678+6T>G on transcript NM_015100.4 (MANE Select); 6 bases into the intron after coding-DNA position 1678, T replaced by G.
Molecular consequence: intron variant.
Genome position (GRCh38, 1-based): chr1:151,423,391, A>C on the plus strand (T>G on the coding strand, the complement: POGZ is on the minus strand). VCF-style: chr1-151423391-A-C. GRCh37 (hg19) VCF-style: chr1-151395867-A-C.
Other names: c.1492+6T>G (NM_001194938.2); c.1393+6T>G (NM_145796.4); c.1651+6T>G (NM_001194937.2); c.1699+6T>G (NM_001410860.1); c.1519+6T>G (NM_207171.2).
Identifiers: ClinVar variation 3308256 (VCV003308256.1).

ClinVar aggregate classification (germline): Uncertain significance (1 of 4 stars; one submission).

Conditions:
Inborn genetic diseases. Identifiers: MedGen C0950123, MeSH D030342.

Submission:

Ambry Genetics
Classification: Uncertain significance for Inborn genetic diseases. Last evaluated: 2024-05-14. Review status: criteria provided, single submitter. Criteria: Ambry Variant Classification Scheme 2023. Collection method: clinical testing. Allele origin: germline.
Comment: The c.1678+6T>G intronic alteration results from a T to G substitution 6 nucleotides after exon 10 (coding exon 9) of the POGZ gene. This variant was not reported in population-based cohorts in the Genome Aggregation Database (gnomAD). This nucleotide position is highly conserved in available vertebrate species. In silico splice site analysis predicts that this alteration will weaken the native splice donor site and will result in the creation or strengthening of a novel splice donor site. Based on insufficient or conflicting evidence, the clinical significance of this alteration remains unclear.